The following is an entry in ClinVar:

ClinVar aggregate classification (germline): Pathogenic (1 of 4 stars; one submission).

Conditions:
Hereditary spastic paraplegia 15 (SPG15). Also called: SPASTIC PARAPLEGIA 15, AUTOSOMAL RECESSIVE; KJELLIN SYNDROME; SPASTIC PARAPLEGIA AND RETINAL DEGENERATION. Identifiers: Orphanet 100996, MedGen C1849128, MONDO:0010044, OMIM 270700.

Submission:

Myriad Genetics, Inc.
Classification: Pathogenic for Hereditary spastic paraplegia 15. Last evaluated: 2024-04-03. Review status: criteria provided, single submitter. Criteria: Myriad Autosomal Dominant, Autosomal Recessive and X-Linked Classification Criteria (2023). Collection method: clinical testing. Allele origin: unknown.
Comment: NM_015346.3(ZFYVE26):c.911delAinsTGT(E304Vfs*6) is expected to be pathogenic in the context of spastic paraplegia type 15. This variant is predicted to lead to an abnormal or absent protein product due to the creation of a premature termination codon in ZFYVE26, a gene where loss-of-function variants are known to be pathogenic. Please note: this variant was assessed in the context of healthy population screening.

NM_015346.4(ZFYVE26):c.911delinsTGT (p.Glu304fs)

Gene: ZFYVE26 (zinc finger FYVE-type containing 26; minus strand). Cytogenetic location: 14q24.1.
Variant type: Indel.
Coding change: c.911delinsTGT on transcript NM_015346.4 (MANE Select); coding-DNA position 911, A replaced by TGT.
Protein change: p.Glu304fs; shifts the reading frame from glutamic acid 304.
Molecular consequence: frameshift variant.
Genome position (GRCh38, 1-based): chr14:67,806,651, T replaced by ACA on the plus strand (A replaced by TGT on the coding strand, the reverse complement: ZFYVE26 is on the minus strand). VCF-style: chr14-67806651-T-ACA. GRCh37 (hg19) VCF-style: chr14-68273368-T-ACA.
Other names: short protein forms E304fs.
Identifiers: ClinVar variation 5012888 (VCV005012888.1).